The following is an entry in ClinVar:

ClinVar aggregate classification (germline): Uncertain significance. Review status: criteria provided, multiple submitters, no conflicts (2 of 4 stars). 3 submissions from 3 submitters: Uncertain significance (3). Last evaluated 2023-10-23.

Conditions:
Aortic aneurysm, familial thoracic 7 (AAT7). Also called: AORTIC DISSECTION, FAMILIAL, WITH OR WITHOUT AORTIC ANEURYSM. Identifiers: MedGen C3151077, MONDO:0013418, OMIM 613780.
Megacystis-microcolon-intestinal hypoperistalsis syndrome 1. Identifiers: MedGen C5542316, MONDO:0100354, OMIM 249210.
Familial thoracic aortic aneurysm and aortic dissection (TAAD). Also called: Thoracic aortic aneurysms and dissections. Identifiers: Orphanet 91387, MedGen C4707243, MONDO:0019625.

Allele frequency attached by ClinVar (database versions not stated): gnomAD 0.00001.
gnomAD v4.1: 1 of 1,614,056 alleles (0.000062%); no homozygotes.

Submissions (3):

Labcorp Genetics (formerly Invitae), Labcorp
Classification: Uncertain significance for Aortic aneurysm, familial thoracic 7. Last evaluated: 2023-10-23. Review status: criteria provided, single submitter. Criteria: Invitae Variant Classification Sherloc (09022015). Collection method: clinical testing. Allele origin: germline.
Comment: This sequence change replaces glutamic acid, which is acidic and polar, with lysine, which is basic and polar, at codon 1369 of the MYLK protein (p.Glu1369Lys). This variant is not present in population databases (gnomAD no frequency). This variant has not been reported in the literature in individuals affected with MYLK-related conditions. ClinVar contains an entry for this variant (Variation ID: 915484). Advanced modeling of protein sequence and biophysical properties (such as structural, functional, and spatial information, amino acid conservation, physicochemical variation, residue mobility, and thermodynamic stability) performed at Invitae indicates that this missense variant is not expected to disrupt MYLK protein function. In summary, the available evidence is currently insufficient to determine the role of this variant in disease. Therefore, it has been classified as a Variant of Uncertain Significance.

Fulgent Genetics
Classification: Uncertain significance for Megacystis-microcolon-intestinal hypoperistalsis syndrome 1; Aortic aneurysm, familial thoracic 7. Last evaluated: 2022-01-04. Review status: criteria provided, single submitter. Criteria: ACMG Guidelines, 2015. Collection method: clinical testing. Allele origin: unknown.

CHEO Genetics Diagnostic Laboratory, Children's Hospital of Eastern Ontario
Classification: Uncertain significance for Familial thoracic aortic aneurysm and aortic dissection. Last evaluated: 2020-06-25. Review status: criteria provided, single submitter. Criteria: ACMG Guidelines, 2015. Collection method: clinical testing. Allele origin: germline.

NM_053025.4(MYLK):c.4105G>A (p.Glu1369Lys)

Gene: MYLK (myosin light chain kinase; minus strand). Cytogenetic location: 3q21.1.
Variant type: single nucleotide variant.
Coding change: c.4105G>A on transcript NM_053025.4 (MANE Select); coding-DNA position 4105, G replaced by A.
Protein change: p.Glu1369Lys; replaces glutamic acid 1369 with lysine.
Molecular consequence: missense variant.
Genome position (GRCh38, 1-based): chr3:123,657,309, C>T on the plus strand (G>A on the coding strand, the complement: MYLK is on the minus strand). VCF-style: chr3-123657309-C-T. GRCh37 (hg19) VCF-style: chr3-123376156-C-T.
Other names: c.3577G>A, p.Glu1193Lys (NM_001321309.2); c.3898G>A, p.Glu1300Lys (NM_053026.4, NM_053028.4); c.4105G>A, p.Glu1369Lys (NM_053027.4); short protein forms E1193K, E1300K, E1369K.
Identifiers: ClinVar variation 915484 (VCV000915484.7), dbSNP rs2059418764, ClinGen allele CA354228128.